The following is an entry in ClinVar:

ClinVar aggregate classification (germline): Pathogenic. Review status: criteria provided, multiple submitters, no conflicts (2 of 4 stars). 4 submissions from 4 submitters: Pathogenic (4). Last evaluated 2024-08-01.

Conditions:
Hereditary cancer-predisposing syndrome. Also called: Hereditary Cancer Syndrome; Tumor predisposition; Neoplastic Syndromes, Hereditary; Hereditary neoplastic syndrome. Identifiers: Orphanet 140162, MedGen C0027672, MeSH D009386, MONDO:0015356.
Familial multiple polyposis syndrome (FAP). Also called: Familial intestinal polyposis; Familial adenomatous polyposis; Familial polyposis; Classic familial adenomatous polyposis; Familial Adenomatous Polyposis (FAP). Identifiers: Orphanet 733, MedGen C0032580, MONDO:0021055. Disease mechanism: loss of function.
Familial adenomatous polyposis 1 (FAP1). Also called: FAMILIAL ADENOMATOUS POLYPOSIS 1, ATTENUATED; POLYPOSIS, ADENOMATOUS INTESTINAL. Identifiers: MedGen C2713442, MONDO:0021056, OMIM 175100. Disease mechanism: loss of function.

Submissions (4):

Women's Health and Genetics/Laboratory Corporation of America, LabCorp
Classification: Pathogenic for Familial multiple polyposis syndrome. Last evaluated: 2024-08-01. Review status: criteria provided, single submitter. Criteria: LabCorp Variant Classification Summary - May 2015. Collection method: clinical testing. Allele origin: germline.
Comment: Variant summary: APC c.1775T>G (p.Leu592X) results in a premature termination codon, predicted to cause a truncation of the encoded protein or absence of the protein due to nonsense mediated decay, which are commonly known mechanisms for disease. The variant was absent in 251240 control chromosomes. c.1775T>G has been reported in the literature in at-least one individual affected with colorectal cancer (Svensson_2022). The following publication has been ascertained in the context of this evaluation (PMID: 35430768). ClinVar contains an entry for this variant (Variation ID: 1330021). Based on the evidence outlined above, the variant was classified as pathogenic.

Myriad Genetics, Inc.
Classification: Pathogenic for Familial adenomatous polyposis 1. Last evaluated: 2023-05-03. Review status: criteria provided, single submitter. Criteria: Myriad Autosomal Dominant, Autosomal Recessive and X-Linked Classification Criteria (2023). Collection method: clinical testing. Allele origin: unknown.
Comment: This variant is considered pathogenic. This variant creates a termination codon and is predicted to result in premature protein truncation.

Ambry Genetics
Classification: Pathogenic for Hereditary cancer-predisposing syndrome. Last evaluated: 2021-12-17. Review status: criteria provided, single submitter. Criteria: Ambry Variant Classification Scheme 2023. Collection method: clinical testing. Allele origin: germline.
Comment: The p.L592* pathogenic mutation (also known as c.1775T>G), located in coding exon 14 of the APC gene, results from a T to G substitution at nucleotide position 1775. This changes the amino acid from a leucine to a stop codon within coding exon 14. This alteration was identified within a cohort undergoing genetic testing for familial adenomatous polyposis-associated thyroid carcinoma (Cetta F et al. J Clin Endocrinol Metab, 2000 Jan;85:286-92). This variant was identified in 1/1164 unrelated German index patients with a clinical diagnosis of FAP or AFAP (Friedl W et al. Hered Cancer Clin Pract, 2005 Sep;3:95-114). This variant is considered to be rare based on population cohorts in the Genome Aggregation Database (gnomAD). In addition to the clinical data presented in the literature, this alteration is expected to result in loss of function by premature protein truncation or nonsense-mediated mRNA decay. As such, this alteration is interpreted as a disease-causing mutation.

Quest Diagnostics Nichols Institute San Juan Capistrano
Classification: Pathogenic. Last evaluated: 2020-11-10. Review status: criteria provided, single submitter. Criteria: Quest Diagnostics criteria. Collection method: clinical testing. Allele origin: unknown.
Comment: This variant is expected to result in the loss of a functional protein. This variant has not been reported in large, multi-ethnic general populations. Found in at least one patient with expected phenotype for this gene.

Literature cited by the submitters: PubMed 35430768 (cited by Women's Health and Genetics/Laboratory Corporation of America, LabCorp); PubMed 10634400 (cited by Ambry Genetics); PubMed 20223039 (cited by Ambry Genetics); PubMed 8381580 (cited by Quest Diagnostics Nichols Institute San Juan Capistrano).

NM_000038.6(APC):c.1775T>G (p.Leu592Ter)

Gene: APC (APC regulator of Wnt signaling pathway; plus strand). Cytogenetic location: 5q22.2.
Variant type: single nucleotide variant.
Coding change: c.1775T>G on transcript NM_000038.6 (MANE Select); coding-DNA position 1775, T replaced by G.
Protein change: p.Leu592Ter; replaces leucine 592 with a stop codon.
Molecular consequence: nonsense.
Genome position (GRCh38, 1-based): chr5:112,834,982, T>G. VCF-style: chr5-112834982-T-G. GRCh37 (hg19) VCF-style: chr5-112170679-T-G.
Other names: c.1775T>G, p.Leu592Ter (NM_001127510.3, NM_001354895.2); c.1721T>G, p.Leu574Ter (NM_001127511.3); c.1829T>G, p.Leu610Ter (NM_001354896.2); c.1805T>G, p.Leu602Ter (NM_001354897.2); c.1700T>G, p.Leu567Ter (NM_001354898.2); c.1691T>G, p.Leu564Ter (NM_001354899.2); c.1652T>G, p.Leu551Ter (NM_001354900.2); c.1598T>G, p.Leu533Ter (NM_001354901.2); and 5 more; short protein forms L309*, L432*, L466*, L491*, L501*, L533*, L551*, L564*.
Identifiers: ClinVar variation 1330021 (VCV001330021.5), dbSNP rs1764700195, ClinGen allele CA16025197.